The following is an entry in ClinVar:

ClinVar aggregate classification (germline): Uncertain significance (1 of 4 stars; one submission).

gnomAD v4.1: 3 of 1,613,900 alleles (0.00019%); highest among the groups gnomAD compares: Non-Finnish European, 0.000085%; no homozygotes.

Submission:

Labcorp Genetics (formerly Invitae), Labcorp
Classification: Uncertain significance. Last evaluated: 2022-08-13. Review status: criteria provided, single submitter. Criteria: Invitae Variant Classification Sherloc (09022015). Collection method: clinical testing. Allele origin: germline.
Comment: This sequence change replaces glutamic acid, which is acidic and polar, with aspartic acid, which is acidic and polar, at codon 4167 of the LRP2 protein (p.Glu4167Asp). This variant is not present in population databases (gnomAD no frequency). This variant has not been reported in the literature in individuals affected with LRP2-related conditions. Advanced modeling of protein sequence and biophysical properties (such as structural, functional, and spatial information, amino acid conservation, physicochemical variation, residue mobility, and thermodynamic stability) performed at Invitae indicates that this missense variant is not expected to disrupt LRP2 protein function. In summary, the available evidence is currently insufficient to determine the role of this variant in disease. Therefore, it has been classified as a Variant of Uncertain Significance.

NM_004525.3(LRP2):c.12501G>C (p.Glu4167Asp)

Gene: LRP2 (LDL receptor related protein 2; minus strand). Cytogenetic location: 2q31.1.
Variant type: single nucleotide variant.
Coding change: c.12501G>C on transcript NM_004525.3 (MANE Select); coding-DNA position 12501, G replaced by C.
Protein change: p.Glu4167Asp; replaces glutamic acid 4167 with aspartic acid.
Molecular consequence: missense variant.
Genome position (GRCh38, 1-based): chr2:169,150,987, C>G on the plus strand (G>C on the coding strand, the complement: LRP2 is on the minus strand). VCF-style: chr2-169150987-C-G. GRCh37 (hg19) VCF-style: chr2-170007497-C-G.
Other names: short protein forms E4167D.
Identifiers: ClinVar variation 1939195 (VCV001939195.2), dbSNP rs777407708, ClinGen allele CA349134214.